The following is an entry in ClinVar:

NM_001351132.2(PEX5):c.1870G>A (p.Asp624Asn)

Gene: PEX5 (peroxisomal biogenesis factor 5; plus strand). Cytogenetic location: 12p13.31.
Variant type: single nucleotide variant.
Coding change: c.1870G>A on transcript NM_001351132.2 (MANE Select); coding-DNA position 1870, G replaced by A.
Protein change: p.Asp624Asn; replaces aspartic acid 624 with asparagine.
Molecular consequence: missense variant.
Genome position (GRCh38, 1-based): chr12:7,210,173, G>A. VCF-style: chr12-7210173-G-A. GRCh37 (hg19) VCF-style: chr12-7362769-G-A.
Other names: c.1846G>A, p.Asp616Asn (NM_000319.5); c.1915G>A, p.Asp639Asn (NM_001131023.2); c.1759G>A, p.Asp587Asn (NM_001131024.2, NM_001351124.3, NM_001351126.2 and 7 more transcripts); c.1870G>A, p.Asp624Asn (NM_001131025.2, NM_001131026.2, NM_001300789.3 and 4 more transcripts); c.1735G>A, p.Asp579Asn (NM_001374649.2, NM_001351139.2, NM_001351140.2); c.1804G>A, p.Asp602Asn (NM_001351135.3, NM_001351138.2); c.1861G>A, p.Asp621Asn (NM_001351136.2); short protein forms D621N, D639N, D579N, D616N, D624N, D587N, D602N.
Identifiers: ClinVar variation 1489049 (VCV001489049.6), dbSNP rs201963167, ClinGen allele CA6426608.
Genomic context (GRCh38, chr12:7,210,173, plus strand): 5'-TGGAGCACCCTGCGTTTGGCATTGTCTATGTTAGGCCAGAGCGATGCCTATGGGGCAGCC[G>A]ACGCGCGGGATCTGTCCACCCTCCTAACTATGTTTGGCCTGCCCCAGTGACAGTGGGACG-3'
Protein context (NP_001338061.1, residues 614-634): LGQSDAYGAA[Asp624Asn]ARDLSTLLTM

ClinVar aggregate classification (germline): Uncertain significance. Review status: criteria provided, multiple submitters, no conflicts (2 of 4 stars). 2 submissions from 2 submitters: Uncertain significance (2). Last evaluated 2022-04-11.

Conditions:
Peroxisome biogenesis disorder 2A (Zellweger) (PBD2A). Also called: Cerebrohepatorenal syndrome, variant types. Identifiers: Orphanet 912, MedGen C3550273, MONDO:0008954, OMIM 214110.
Rhizomelic chondrodysplasia punctata type 5 (RCDP5). Identifiers: Orphanet 468717, MedGen C4225237, MONDO:0014743, OMIM 616716.
Peroxisome biogenesis disorder 2B (PBD2B). Identifiers: Orphanet 44, MedGen C3550234, MONDO:0008736, OMIM 202370.

Allele frequency attached by ClinVar (database versions not stated): 1000 Genomes Project 30x 0.00016; 1000 Genomes Project 0.00020; gnomAD 0.00001; gnomAD exomes 0.00002; TOPMed 0.00002; ExAC 0.00003.
gnomAD v4.1: 26 of 1,614,222 alleles (0.0016%); highest among the groups gnomAD compares: East Asian, 0.013%; no homozygotes.

Submissions (2):

Labcorp Genetics (formerly Invitae), Labcorp
Classification: Uncertain significance for Peroxisome biogenesis disorder 2B. Last evaluated: 2022-04-11. Review status: criteria provided, single submitter. Criteria: Invitae Variant Classification Sherloc (09022015). Collection method: clinical testing. Allele origin: germline.
Comment: This sequence change replaces aspartic acid, which is acidic and polar, with asparagine, which is neutral and polar, at codon 624 of the PEX5 protein (p.Asp624Asn). This variant is present in population databases (rs201963167, gnomAD 0.02%). This variant has not been reported in the literature in individuals affected with PEX5-related conditions. Algorithms developed to predict the effect of missense changes on protein structure and function (SIFT, PolyPhen-2, Align-GVGD) all suggest that this variant is likely to be tolerated. In summary, the available evidence is currently insufficient to determine the role of this variant in disease. Therefore, it has been classified as a Variant of Uncertain Significance.

Fulgent Genetics
Classification: Uncertain significance for Peroxisome biogenesis disorder 2B; Peroxisome biogenesis disorder 2A (Zellweger); Rhizomelic chondrodysplasia punctata type 5. Last evaluated: 2021-12-17. Review status: criteria provided, single submitter. Criteria: ACMG Guidelines, 2015. Collection method: clinical testing. Allele origin: unknown.